The following is an entry in ClinVar:

ClinVar aggregate classification (germline): Uncertain significance (1 of 4 stars; one submission).

Conditions:
Carney complex, type 1 (CNC1). Also called: CARNEY MYXOMA-ENDOCRINE COMPLEX; CARNEY COMPLEX, TYPE I. Identifiers: Orphanet 1359, MedGen C2607929, MONDO:0008057, OMIM 160980.

Submission:

Labcorp Genetics (formerly Invitae), Labcorp
Classification: Uncertain significance for Carney complex, type 1. Last evaluated: 2020-09-10. Review status: criteria provided, single submitter. Criteria: Invitae Variant Classification Sherloc (09022015). Collection method: clinical testing. Allele origin: germline.
Comment: This variant is not present in population databases (ExAC no frequency). This sequence change replaces threonine with alanine at codon 214 of the PRKAR1A protein (p.Thr214Ala). The threonine residue is highly conserved and there is a small physicochemical difference between threonine and alanine. This variant has not been reported in the literature in individuals with PRKAR1A-related conditions. In summary, the available evidence is currently insufficient to determine the role of this variant in disease. Therefore, it has been classified as a Variant of Uncertain Significance. Algorithms developed to predict the effect of missense changes on protein structure and function (SIFT, PolyPhen-2, Align-GVGD) all suggest that this variant is likely to be disruptive, but these predictions have not been confirmed by published functional studies and their clinical significance is uncertain.

NM_002734.5(PRKAR1A):c.640A>G (p.Thr214Ala)

Gene: PRKAR1A (protein kinase cAMP-dependent type I regulatory subunit alpha; plus strand). Cytogenetic location: 17q24.2.
Variant type: single nucleotide variant.
Coding change: c.640A>G on transcript NM_002734.5 (MANE Select); coding-DNA position 640, A replaced by G.
Protein change: p.Thr214Ala; replaces threonine 214 with alanine.
Molecular consequence: missense variant.
Genome position (GRCh38, 1-based): chr17:68,525,844, A>G. VCF-style: chr17-68525844-A-G. GRCh37 (hg19) VCF-style: chr17-66521985-A-G.
Other names: c.640A>G, p.Thr214Ala (NM_001276289.2, NM_001276290.1, NM_001278433.2 and 4 more transcripts); short protein forms T214A.
Identifiers: ClinVar variation 1037309 (VCV001037309.8), dbSNP rs2085773086, ClinGen allele CA400753247.